The following is an entry in ClinVar:

NM_001378030.1(CCDC78):c.265G>A (p.Glu89Lys)

Gene: CCDC78 (coiled-coil domain containing 78; minus strand). Cytogenetic location: 16p13.3.
Variant type: single nucleotide variant.
Coding change: c.265G>A on transcript NM_001378030.1 (MANE Select); coding-DNA position 265, G replaced by A.
Protein change: p.Glu89Lys; replaces glutamic acid 89 with lysine.
Molecular consequence: missense variant. On other transcripts: 5 prime UTR variant (1), non-coding transcript variant (5).
Genome position (GRCh38, 1-based): chr16:725,796, C>T on the plus strand (G>A on the coding strand, the complement: CCDC78 is on the minus strand). VCF-style: chr16-725796-C-T. GRCh37 (hg19) VCF-style: chr16-775796-C-T.
Other names: c.265G>A, p.Glu89Lys (NM_001031737.3, NM_001378031.1); c.-21G>A (NM_001378033.1); short protein forms E89K.
Identifiers: ClinVar variation 2766530 (VCV002766530.3), dbSNP rs2040854837, ClinGen allele CA394104328.
Genomic context (GRCh38, chr16:725,796, plus strand): 5'-TCCTGGGCCTGCACCCCCCGTCCCCCATGCACTGAGGCTGGTTCACACGGCTGCTCACCT[C>T]ACTCTTCAGCTGGAAGATTTCAGCCTCATGCTGCTCATGTAGGTGGTGGGTTGTGATCTG-3'
Protein context (NP_001364959.1, residues 79-99): HEAEIFQLKS[Glu89Lys]ILRLESRVLE

ClinVar aggregate classification (germline): Uncertain significance (1 of 4 stars; one submission).

Conditions:
Congenital myopathy with internal nuclei and atypical cores. Also called: Myopathy, centronuclear, 4. Identifiers: Orphanet 319160, MedGen C4707232, MONDO:0013890, OMIM 614807.

Allele frequency attached by ClinVar (database versions not stated): gnomAD exomes below 0.00001; gnomAD 0.00001; TOPMed 0.00001.

Submission:

Labcorp Genetics (formerly Invitae), Labcorp
Classification: Uncertain significance for Congenital myopathy with internal nuclei and atypical cores. Last evaluated: 2023-11-11. Review status: criteria provided, single submitter. Criteria: Invitae Variant Classification Sherloc (09022015). Collection method: clinical testing. Allele origin: germline.
Comment: This sequence change replaces glutamic acid, which is acidic and polar, with lysine, which is basic and polar, at codon 89 of the CCDC78 protein (p.Glu89Lys). This variant is not present in population databases (gnomAD no frequency). This variant has not been reported in the literature in individuals affected with CCDC78-related conditions. An algorithm developed to predict the effect of missense changes on protein structure and function (PolyPhen-2) suggests that this variant is likely to be disruptive. In summary, the available evidence is currently insufficient to determine the role of this variant in disease. Therefore, it has been classified as a Variant of Uncertain Significance.